The following is an entry in ClinVar:

NM_001365951.3(KIF1B):c.5328G>T (p.Gly1776=)

Gene: KIF1B (kinesin family member 1B; plus strand). Cytogenetic location: 1p36.22.
Variant type: single nucleotide variant.
Coding change: c.5328G>T on transcript NM_001365951.3 (MANE Select); coding-DNA position 5328, G replaced by T.
Protein change: p.Gly1776=; no amino-acid change (glycine 1776 retained).
Molecular consequence: synonymous variant.
Genome position (GRCh38, 1-based): chr1:10,375,293, G>T. VCF-style: chr1-10375293-G-T. GRCh37 (hg19) VCF-style: chr1-10435351-G-T.
Other names: c.5328G>T, p.Gly1776= (NM_001365952.1); c.5190G>T, p.Gly1730= (NM_015074.3).
Identifiers: ClinVar variation 1745915 (VCV001745915.3), dbSNP rs969957161, ClinGen allele CA415888932.

ClinVar aggregate classification (germline): Uncertain significance (1 of 4 stars; one submission).

Allele frequency attached by ClinVar (database versions not stated): TOPMed below 0.00001.
gnomAD v4.1: 9 of 1,614,080 alleles (0.00056%); highest among the groups gnomAD compares: Non-Finnish European, 0.00076%; no homozygotes.

Submission:

Ambry Genetics
Classification: Uncertain significance. Last evaluated: 2025-12-08. Review status: criteria provided, single submitter. Criteria: Ambry Variant Classification Scheme 2023. Collection method: clinical testing. Allele origin: germline.
Comment: The c.5190G>T variant (also known as p.G1730G), located in coding exon 45 of the KIF1B gene, results from a G to T substitution at nucleotide position 5190. This nucleotide substitution does not change the glycine at codon 1730. This nucleotide position is not well conserved in available vertebrate species. In silico splice site analysis for this alteration is inconclusive. The evidence for this gene-disease relationship is limited; therefore, the clinical significance of this alteration is unclear.